The following is an entry in ClinVar:

ClinVar aggregate classification (germline): Uncertain significance (1 of 4 stars; one submission).

Conditions:
Ataxia-telangiectasia syndrome (AT). Also called: Cerebello-oculocutaneous telangiectasia; Immunodeficiency with ataxia telangiectasia; AT, COMPLEMENTATION GROUP C; ATAXIA-TELANGIECTASIA, COMPLEMENTATION GROUP A; ATAXIA-TELANGIECTASIA, FRESNO VARIANT; LOUIS-BAR SYNDROME. Identifiers: Orphanet 100, MedGen C0004135, MONDO:0008840, OMIM 208900.

Submission:

Labcorp Genetics (formerly Invitae), Labcorp
Classification: Uncertain significance for Ataxia-telangiectasia syndrome. Last evaluated: 2020-11-10. Review status: criteria provided, single submitter. Criteria: Invitae Variant Classification Sherloc (09022015). Collection method: clinical testing. Allele origin: germline.
Comment: This variant, c.1154_1156del, results in the deletion of 1 amino acid(s) of the ATM protein (p.Lys385del), but otherwise preserves the integrity of the reading frame. In summary, the available evidence is currently insufficient to determine the role of this variant in disease. Therefore, it has been classified as a Variant of Uncertain Significance. Algorithms developed to predict the effect of sequence changes on RNA splicing suggest that this variant may create or strengthen a splice site, but this prediction has not been confirmed by published transcriptional studies. This variant has not been reported in the literature in individuals with ATM-related conditions. This variant is not present in population databases (ExAC no frequency).

NM_000051.4(ATM):c.1154_1156del (p.Lys385del)

Gene: ATM (ATM serine/threonine kinase; plus strand). Cytogenetic location: 11q22.3.
Variant type: Deletion.
Coding change: c.1154_1156del on transcript NM_000051.4 (MANE Select); coding-DNA positions 1154 to 1156, 3 bases deleted (AAA; older notation c.1154_1156delAAA).
Protein change: p.Lys385del; deletes lysine 385.
Molecular consequence: inframe deletion.
Genome position (GRCh38, 1-based): chr11:108,249,021-108,249,023, AAA deleted; deleting any 3 consecutive bases within chr11:108,249,020-108,249,023 gives the same sequence; the c. name uses the placement nearest the transcript's 3' end. VCF-style (leftmost placement, unchanged base first): chr11-108249019-CAAA-C. GRCh37 (hg19) VCF-style: chr11-108119746-CAAA-C.
Other names: c.1154_1156del, p.Lys385del (NM_001351834.2); short protein forms K385del.
Identifiers: ClinVar variation 1498387 (VCV001498387.8), dbSNP rs2135293203, ClinGen allele CA2573146496.